The following is an entry in ClinVar:

ClinVar aggregate classification (germline): Conflicting classifications of pathogenicity. Review status: criteria provided, conflicting classifications (1 of 4 stars). 2 submissions from 2 submitters: Uncertain significance (1); Likely benign (1). Last evaluated 2025-12-26.

Conditions:
Inborn genetic diseases. Identifiers: MedGen C0950123, MeSH D030342.

Allele frequency attached by ClinVar (database versions not stated): gnomAD exomes below 0.00001 and 0.00001; ExAC 0.00001; gnomAD 0.00001; TOPMed 0.00002.
gnomAD v4.1: 7 of 1,520,062 alleles (0.00046%); highest among the groups gnomAD compares: Non-Finnish European, 0.00053%; no homozygotes.

Submissions (2):

Labcorp Genetics (formerly Invitae), Labcorp
Classification: Uncertain significance. Last evaluated: 2025-12-26. Review status: criteria provided, single submitter. Criteria: Invitae Variant Classification Sherloc (09022015). Collection method: clinical testing. Allele origin: germline.
Comment: This sequence change replaces aspartic acid, which is acidic and polar, with glycine, which is neutral and non-polar, at codon 2268 of the CACNA1E protein (p.Asp2268Gly). This variant is present in population databases (rs762920383, gnomAD 0.002%). This variant has not been reported in the literature in individuals affected with CACNA1E-related conditions. ClinVar contains an entry for this variant (Variation ID: 1507237). Invitae Evidence Modeling of protein sequence and biophysical properties (such as structural, functional, and spatial information, amino acid conservation, physicochemical variation, residue mobility, and thermodynamic stability) indicates that this missense variant is not expected to disrupt CACNA1E protein function with a negative predictive value of 95%. In summary, the available evidence is currently insufficient to determine the role of this variant in disease. Therefore, it has been classified as a Variant of Uncertain Significance.

Ambry Genetics
Classification: Likely benign for Inborn genetic diseases. Last evaluated: 2023-05-09. Review status: criteria provided, single submitter. Criteria: Ambry Variant Classification Scheme 2023. Collection method: clinical testing. Allele origin: germline.

NM_001205293.3(CACNA1E):c.6932A>G (p.Asp2311Gly)

Gene: CACNA1E (calcium voltage-gated channel subunit alpha1 E; plus strand). Cytogenetic location: 1q25.3.
Variant type: single nucleotide variant.
Coding change: c.6932A>G on transcript NM_001205293.3 (MANE Select); coding-DNA position 6932, A replaced by G.
Protein change: p.Asp2311Gly; replaces aspartic acid 2311 with glycine.
Molecular consequence: missense variant.
Genome position (GRCh38, 1-based): chr1:181,798,824, A>G. VCF-style: chr1-181798824-A-G. GRCh37 (hg19) VCF-style: chr1-181767960-A-G.
Other names: c.6932A>G (NM_001205293.1); c.6803A>G, p.Asp2268Gly (NM_000721.4); c.6746A>G, p.Asp2249Gly (NM_001205294.2); short protein forms D2311G, D2268G, D2249G.
Identifiers: ClinVar variation 1507237 (VCV001507237.9), dbSNP rs762920383, ClinGen allele CA1276528.